The following is an entry in ClinVar:

ClinVar aggregate classification (germline): Uncertain significance (1 of 4 stars; one submission).

Conditions:
Early-infantile DEE. Also called: Early infantile epileptic encephalopathy; Early infantile epileptic encephalopathy with suppression bursts; Ohtahara syndrome. Identifiers: Orphanet 1934, MedGen C0393706, MONDO:0800491.

Allele frequency attached by ClinVar (database versions not stated): gnomAD exomes below 0.00001.
gnomAD v4.1: 2 of 1,614,052 alleles (0.00012%); highest among the groups gnomAD compares: East Asian, 0.0022%; no homozygotes.

Submission:

Labcorp Genetics (formerly Invitae), Labcorp
Classification: Uncertain significance for Early-infantile DEE. Last evaluated: 2023-04-14. Review status: criteria provided, single submitter. Criteria: Invitae Variant Classification Sherloc (09022015). Collection method: clinical testing. Allele origin: germline.
Comment: This sequence change falls in intron 16 of the SPTAN1 gene. It does not directly change the encoded amino acid sequence of the SPTAN1 protein. It affects a nucleotide within the consensus splice site. In summary, the available evidence is currently insufficient to determine the role of this variant in disease. Therefore, it has been classified as a Variant of Uncertain Significance. Variants that disrupt the consensus splice site are a relatively common cause of aberrant splicing (PMID: 17576681, 9536098). Algorithms developed to predict the effect of sequence changes on RNA splicing suggest that this variant is not likely to affect RNA splicing. ClinVar contains an entry for this variant (Variation ID: 2110484). This variant has not been reported in the literature in individuals affected with SPTAN1-related conditions. This variant is not present in population databases (gnomAD no frequency).

Literature cited by the submitters: PubMed 17576681; PubMed 9536098.

NM_001130438.3(SPTAN1):c.2193+5T>C

Gene: SPTAN1 (spectrin alpha, non-erythrocytic 1; plus strand). Cytogenetic location: 9q34.11.
Variant type: single nucleotide variant.
Coding change: c.2193+5T>C on transcript NM_001130438.3 (MANE Select); 5 bases into the intron after coding-DNA position 2193, T replaced by C.
Molecular consequence: intron variant.
Genome position (GRCh38, 1-based): chr9:128,583,974, T>C. VCF-style: chr9-128583974-T-C. GRCh37 (hg19) VCF-style: chr9-131346253-T-C.
Other names: c.2229+5T>C (NM_001375318.1, NM_001375312.2); c.2193+5T>C (NM_001375311.2, NM_001375314.2, NM_001375310.1 and 5 more transcripts).
Identifiers: ClinVar variation 2110484 (VCV002110484.4), dbSNP rs1852256497, ClinGen allele CA1880335849.